The following is an entry in ClinVar:

NM_001099274.3(TINF2):c.17dup (p.Ala7fs)

Gene: TINF2 (TERF1 interacting nuclear factor 2; minus strand). Cytogenetic location: 14q12.
Variant type: Duplication.
Coding change: c.17dup on transcript NM_001099274.3 (MANE Select); coding-DNA position 17, one base duplicated (T; older notation c.17dupT).
Protein change: p.Ala7fs; shifts the reading frame from alanine 7.
Molecular consequence: frameshift variant.
Genome position (GRCh38, 1-based): chr14:24,242,316, A duplicated on the plus strand (T on the coding strand, the reverse complement: TINF2 is on the minus strand). VCF-style (leftmost placement, unchanged base first): chr14-24242315-C-CA. GRCh37 (hg19) VCF-style: chr14-24711521-C-CA.
Other names: c.17dup, p.Ala7fs (NM_001363668.2, NM_012461.3); short protein forms A7fs.
Identifiers: ClinVar variation 2148190 (VCV002148190.4), dbSNP rs2502468769, ClinGen allele CA2580087951.

ClinVar aggregate classification (germline): Uncertain significance (1 of 4 stars; one submission).

Conditions:
Dyskeratosis congenita. Identifiers: Orphanet 1775, MedGen C0265965, MONDO:0015780.

Submission:

Labcorp Genetics (formerly Invitae), Labcorp
Classification: Uncertain significance for Dyskeratosis congenita. Last evaluated: 2022-02-23. Review status: criteria provided, single submitter. Criteria: Invitae Variant Classification Sherloc (09022015). Collection method: clinical testing. Allele origin: germline.
Comment: In summary, the available evidence is currently insufficient to determine the role of this variant in disease. Therefore, it has been classified as a Variant of Uncertain Significance. This variant has not been reported in the literature in individuals affected with TINF2-related conditions. This variant is not present in population databases (gnomAD no frequency). This sequence change creates a premature translational stop signal (p.Ala7Glyfs*13) in the TINF2 gene. It is expected to result in an absent or disrupted protein product. However, the current clinical and genetic evidence is not sufficient to establish whether loss-of-function variants in TINF2 cause disease.